The following is an entry in ClinVar:

ClinVar aggregate classification (germline): Pathogenic. Review status: criteria provided, multiple submitters, no conflicts (2 of 4 stars). 2 submissions from 2 submitters: Pathogenic (2). Last evaluated 2024-01-30.

Conditions:
Hereditary cancer-predisposing syndrome. Also called: Neoplastic Syndromes, Hereditary; Hereditary Cancer Syndrome; Tumor predisposition; Hereditary neoplastic syndrome. Identifiers: Orphanet 140162, MedGen C0027672, MeSH D009386, MONDO:0015356.
Familial cancer of breast. Also called: BREAST CANCER, FAMILIAL; hereditary breast carcinoma; Hereditary breast cancer. Identifiers: Orphanet 227535, MedGen C0346153, MONDO:0016419, OMIM 114480. Disease mechanism: loss of function.

Submissions (2):

Myriad Genetics, Inc.
Classification: Pathogenic for Familial cancer of breast. Last evaluated: 2024-01-30. Review status: criteria provided, single submitter. Criteria: Myriad Autosomal Dominant, Autosomal Recessive and X-Linked Classification Criteria (2023). Collection method: clinical testing. Allele origin: unknown.
Comment: This variant is considered pathogenic. This variant creates a frameshift predicted to result in premature protein truncation.

Ambry Genetics
Classification: Pathogenic for Hereditary cancer-predisposing syndrome. Last evaluated: 2014-02-19. Review status: criteria provided, single submitter. Criteria: Ambry Autosomal Dominant and X-Linked criteria (10/2015). Collection method: clinical testing. Allele origin: germline. Observed: 1 variant allele.
Comment: The c.6673dupG pathogenic mutation, located in coding exon 45 of the ATM gene, results from a duplication of G at nucleotide position 6673, causing a translational frameshift with a predicted alternate stop codon. Since frameshifts are typically deleterious in nature, this alteration is interpreted as a disease-causing mutation (ACMG Recommendations for Standards for Interpretation and Reporting of Sequence Variations. Revision 2007. Genet Med. 2008;10:294).

NM_000051.4(ATM):c.6673dup (p.Ala2225fs)

Genes: ATM (ATM serine/threonine kinase; plus strand), C11orf65 (chromosome 11 open reading frame 65; minus strand). Cytogenetic location: 11q22.3.
Variant type: Duplication.
Coding change: c.6673dup on transcript NM_000051.4 (MANE Select); coding-DNA position 6673, one base duplicated (G; older notation c.6673dupG).
Protein change: p.Ala2225fs; shifts the reading frame from alanine 2225.
Molecular consequence: frameshift variant. On other transcripts: intron variant (2).
Genome position (GRCh38, 1-based): chr11:108,325,410, G duplicated; the last of 2 consecutive G bases (chr11:108,325,409-108,325,410); duplicating either gives the same sequence. VCF-style (leftmost placement, unchanged base first): chr11-108325408-T-TG. GRCh37 (hg19) VCF-style: chr11-108196135-T-TG.
Other names: c.6673dupG (NM_000051.3); c.6673dup, p.Ala2225fs (NM_001351834.2); c.641-16338dup (NM_001330368.2); c.*38+9811dup (NM_001351110.2); short protein forms A2225fs.
Identifiers: ClinVar variation 141605 (VCV000141605.6), dbSNP rs587781872, ClinGen allele CA165921.